The following is an entry in ClinVar:

NM_012199.5(AGO1):c.1217T>C (p.Val406Ala)

Gene: AGO1 (argonaute RISC component 1; plus strand). Cytogenetic location: 1p34.3.
Variant type: single nucleotide variant.
Coding change: c.1217T>C on transcript NM_012199.5 (MANE Select); coding-DNA position 1217, T replaced by C.
Protein change: p.Val406Ala; replaces valine 406 with alanine.
Molecular consequence: missense variant.
Genome position (GRCh38, 1-based): chr1:35,902,024, T>C. VCF-style: chr1-35902024-T-C. GRCh37 (hg19) VCF-style: chr1-36367625-T-C.
Other names: c.1217T>C (NM_012199.3); c.1217T>C, p.Val406Ala (NM_001317122.2); c.992T>C, p.Val331Ala (NM_001317123.2); short protein forms V331A, V406A.
Identifiers: ClinVar variation 1699013 (VCV001699013.4), dbSNP rs2148715621, ClinGen allele CA339376744.

ClinVar aggregate classification (germline): Uncertain significance. Review status: criteria provided, multiple submitters, no conflicts (2 of 4 stars). 2 submissions from 2 submitters: Uncertain significance (2). Last evaluated 2025-04-03.

Conditions:
Neurodevelopmental disorder. Identifiers: MedGen C1535926, MeSH D065886, MONDO:0700092.

Submissions (2):

GeneDx
Classification: Uncertain significance. Last evaluated: 2025-04-03. Review status: criteria provided, single submitter. Criteria: GeneDx Variant Classification Process June 2021. Collection method: clinical testing. Allele origin: germline. Affected: yes.
Comment: Not observed at significant frequency in large population cohorts (gnomAD); In silico analysis supports that this missense variant has a deleterious effect on protein structure/function; Has not been previously published as pathogenic or benign to our knowledge

Victorian Clinical Genetics Services, Murdoch Childrens Research Institute
Classification: Uncertain significance for Neurodevelopmental disorder. Last evaluated: 2022-02-02. Review status: criteria provided, single submitter. Criteria: ACMG Guidelines, 2015. Collection method: clinical testing. Allele origin: germline. Inheritance: Autosomal dominant inheritance. Affected: yes.
Comment: Based on the classification scheme VCGS_Germline_v1.3.4, this variant is classified as VUS-3C. Following criteria are met: 0105 - The mechanism of disease for this gene is not clearly established. (I) 0107 - This gene is associated with autosomal dominant disease (PMID: 30213762). (I) 0200 - Variant is predicted to result in a missense amino acid change from valine to alanine. (I) 0251 - This variant is heterozygous. (I) 0301 - Variant is absent from gnomAD (both v2 and v3). (SP) 0502 - Missense variant with conflicting in silico predictions and uninformative conservation. (I) 0603 - Missense variant in a region that is highly intolerant to missense variation (high constraint region in DECIPHER). (SP) 0705 - No comparable missense variants have previous evidence for pathogenicity. (I) 0807 - This variant has no previous evidence of pathogenicity. (I) 0904 - Non-segregation of this variant with the phenotype under investigation has been clearly demonstrated. (SB) 1007 - No published functional evidence has been identified for this variant. (I) Legend: (SP) - Supporting pathogenic, (I) - Information, (SB) - Supporting benign

Literature cited by the submitters: PubMed 30213762 (cited by Victorian Clinical Genetics Services, Murdoch Childrens Research Institute).